The following is an entry in ClinVar:

ClinVar aggregate classification (germline): Uncertain significance (1 of 4 stars; one submission).

Conditions:
Primary ciliary dyskinesia. Also called: Ciliary dyskinesia. Identifiers: Orphanet 244, MedGen C0008780, MONDO:0016575, HP:0012265.

gnomAD v4.1: 3 of 1,612,466 alleles (0.00019%); highest among the groups gnomAD compares: Non-Finnish European, 0.00025%; no homozygotes.

Submission:

Labcorp Genetics (formerly Invitae), Labcorp
Classification: Uncertain significance for Primary ciliary dyskinesia. Last evaluated: 2022-06-02. Review status: criteria provided, single submitter. Criteria: Invitae Variant Classification Sherloc (09022015). Collection method: clinical testing. Allele origin: germline.
Comment: In summary, the available evidence is currently insufficient to determine the role of this variant in disease. Therefore, it has been classified as a Variant of Uncertain Significance. Algorithms developed to predict the effect of missense changes on protein structure and function output the following: SIFT: "Tolerated"; PolyPhen-2: "Not Available"; Align-GVGD: "Class C0". The alanine amino acid residue is found in multiple mammalian species, which suggests that this missense change does not adversely affect protein function. ClinVar contains an entry for this variant (Variation ID: 970555). This variant has not been reported in the literature in individuals affected with DNAH8-related conditions. This variant is not present in population databases (gnomAD no frequency). This sequence change replaces threonine, which is neutral and polar, with alanine, which is neutral and non-polar, at codon 38 of the DNAH8 protein (p.Thr38Ala).

NM_001206927.2(DNAH8):c.112A>G (p.Thr38Ala)

Genes: DNAH8 (dynein axonemal heavy chain 8; plus strand), LOC126859667 (BRD4-independent group 4 enhancer GRCh37_chr6:38690326-38691525; plus strand). Cytogenetic location: 6p21.2.
Variant type: single nucleotide variant.
Coding change: c.112A>G on transcript NM_001206927.2 (MANE Select); coding-DNA position 112, A replaced by G.
Protein change: p.Thr38Ala; replaces threonine 38 with alanine.
Molecular consequence: missense variant. On other transcripts: 5 prime UTR variant (1).
Genome position (GRCh38, 1-based): chr6:38,722,921, A>G. VCF-style: chr6-38722921-A-G. GRCh37 (hg19) VCF-style: chr6-38690697-A-G.
Other names: c.-455A>G (NM_001371.4); short protein forms T38A.
Identifiers: ClinVar variation 970555 (VCV000970555.9), dbSNP rs778551218, ClinGen allele CA363984452.